The following is an entry in ClinVar:

ClinVar aggregate classification (germline): Pathogenic. Review status: criteria provided, multiple submitters, no conflicts (2 of 4 stars). 2 submissions from 2 submitters: Pathogenic (2). Last evaluated 2025-05-10.

Conditions:
Autosomal recessive spinocerebellar ataxia 10. Identifiers: Orphanet 284289, MedGen C3150998, MONDO:0013392, OMIM 613728.

gnomAD v4.1: 1 of 1,613,844 alleles (0.000062%); highest among the groups gnomAD compares: Middle Eastern, 0.016%; no homozygotes.

Submissions (2):

Myriad Genetics, Inc.
Classification: Pathogenic for Autosomal recessive spinocerebellar ataxia 10. Last evaluated: 2025-05-10. Review status: criteria provided, single submitter. Criteria: Myriad Autosomal Dominant, Autosomal Recessive and X-Linked Classification Criteria (2023). Collection method: clinical testing. Allele origin: unknown.
Comment: NM_018075.3(ANO10):c.206T>A(L69*) is expected to be pathogenic in the context of spinocerebellar ataxia, ANO10-related. This variant is predicted to lead to an abnormal or absent protein product due to the creation of a premature termination codon in ANO10, a gene where loss-of-function variants are known to be pathogenic. Please note: this variant was assessed in the context of healthy population screening.

Molecular Medicine for Neurodegenerative and Neuromuscular Diseases Unit, IRCCS Fondazione Stella Maris
Classification: Pathogenic for Autosomal recessive spinocerebellar ataxia 10. Last evaluated: 2021-01-04. Review status: criteria provided, single submitter. Criteria: ACMG Guidelines, 2015. Collection method: research. Allele origin: unknown. Affected: yes.

NM_018075.5(ANO10):c.206T>A (p.Leu69Ter)

Gene: ANO10 (anoctamin 10; minus strand). Cytogenetic location: 3p21.33.
Variant type: single nucleotide variant.
Coding change: c.206T>A on transcript NM_018075.5 (MANE Select); coding-DNA position 206, T replaced by A.
Protein change: p.Leu69Ter; replaces leucine 69 with a stop codon.
Molecular consequence: nonsense. On other transcripts: intron variant (4).
Genome position (GRCh38, 1-based): chr3:43,600,515, A>T on the plus strand (T>A on the coding strand, the complement: ANO10 is on the minus strand). VCF-style: chr3-43600515-A-T. GRCh37 (hg19) VCF-style: chr3-43642007-A-T.
Other names: c.206T>A, p.Leu69Ter (NM_001204831.3, NM_001204834.3, NM_001346463.2 and 4 more transcripts); c.140-1849T>A (NM_001346469.2, NM_001204832.3, NM_001346466.2); c.139+5199T>A (NM_001204833.3); short protein forms L69*.
Identifiers: ClinVar variation 1027440 (VCV001027440.2), dbSNP rs2149481901, ClinGen allele CA352346241.